The following is an entry in ClinVar:

NM_000090.4(COL3A1):c.1198C>T (p.Pro400Ser)

Gene: COL3A1 (collagen type III alpha 1 chain; plus strand). Cytogenetic location: 2q32.2.
Variant type: single nucleotide variant.
Coding change: c.1198C>T on transcript NM_000090.4 (MANE Select); coding-DNA position 1198, C replaced by T.
Protein change: p.Pro400Ser; replaces proline 400 with serine.
Molecular consequence: missense variant.
Genome position (GRCh38, 1-based): chr2:188,994,237, C>T. VCF-style: chr2-188994237-C-T. GRCh37 (hg19) VCF-style: chr2-189858963-C-T.
Other names: short protein forms P400S.
Identifiers: ClinVar variation 459759 (VCV000459759.14), dbSNP rs1229093142, ClinGen allele CA349851329.

ClinVar aggregate classification (germline): Uncertain significance. Review status: criteria provided, multiple submitters, no conflicts (2 of 4 stars). 4 submissions from 4 submitters: Uncertain significance (4). Last evaluated 2025-10-06.

Conditions:
Familial thoracic aortic aneurysm and aortic dissection (TAAD). Also called: Thoracic aortic aneurysms and dissections. Identifiers: Orphanet 91387, MedGen C4707243, MONDO:0019625.
Ehlers-Danlos syndrome, type 4 (EDSVASC). Also called: Ehlers-Danlos syndrome vascular type; Ehlers Danlos syndrome, ecchymotic type; Ehlers Danlos syndrome, arterial type; Ehlers Danlos syndrome, Sack-Barabas type; Ehlers-Danlos Syndrome Type IV. Identifiers: Orphanet 286, MedGen C0268338, MONDO:0017314, OMIM 130050.

Allele frequency attached by ClinVar (database versions not stated): gnomAD exomes below 0.00001.

Submissions (4):

Labcorp Genetics (formerly Invitae), Labcorp
Classification: Uncertain significance for Ehlers-Danlos syndrome, type 4. Last evaluated: 2025-10-06. Review status: criteria provided, single submitter. Criteria: Invitae Variant Classification Sherloc (09022015). Collection method: clinical testing. Allele origin: germline.
Comment: This sequence change replaces proline, which is neutral and non-polar, with serine, which is neutral and polar, at codon 400 of the COL3A1 protein (p.Pro400Ser). This variant is present in population databases (no rsID available, gnomAD 0.0009%). This variant has not been reported in the literature in individuals affected with COL3A1-related conditions. ClinVar contains an entry for this variant (Variation ID: 459759). Invitae Evidence Modeling of protein sequence and biophysical properties (such as structural, functional, and spatial information, amino acid conservation, physicochemical variation, residue mobility, and thermodynamic stability) indicates that this missense variant is not expected to disrupt COL3A1 protein function with a negative predictive value of 95%. In summary, the available evidence is currently insufficient to determine the role of this variant in disease. Therefore, it has been classified as a Variant of Uncertain Significance.

Color Diagnostics, LLC DBA Color Health
Classification: Uncertain significance for Familial thoracic aortic aneurysm and aortic dissection. Last evaluated: 2024-03-06. Review status: criteria provided, single submitter. Criteria: ACMG Guidelines, 2015. Collection method: clinical testing. Allele origin: germline.
Comment: This missense variant replaces proline with serine at codon 400 of the COL3A1 protein. Computational prediction suggests that this variant may not impact protein structure and function (internally defined REVEL score threshold <= 0.5, PMID: 27666373). Splice site prediction tools suggest that this variant may not impact RNA splicing. To our knowledge, functional studies have not been reported for this variant. This variant has not been reported in individuals affected with cardiovascular disorders in the literature. This variant has been identified in 1/251182 chromosomes in the general population by the Genome Aggregation Database (gnomAD). The available evidence is insufficient to determine the role of this variant in disease conclusively. Therefore, this variant is classified as a Variant of Uncertain Significance.

All of Us Research Program, National Institutes of Health
Classification: Uncertain significance for Ehlers-Danlos syndrome, type 4. Last evaluated: 2023-05-31. Review status: criteria provided, single submitter. Criteria: ACMG Guidelines, 2015. Collection method: clinical testing. Allele origin: germline. Inheritance: Autosomal dominant inheritance. Observed: 1 variant allele, 1 heterozygote.
Comment: This missense variant replaces proline with serine at codon 400 of the COL3A1 protein. Computational prediction suggests that this variant may not impact protein structure and function (internally defined REVEL score threshold <= 0.5, PMID: 27666373). Splice site prediction tools suggest that this variant may not impact RNA splicing. To our knowledge, functional studies have not been reported for this variant. This variant has not been reported in individuals affected with cardiovascular disorders in the literature. This variant has been identified in 1/251182 chromosomes in the general population by the Genome Aggregation Database (gnomAD). The available evidence is insufficient to determine the role of this variant in disease conclusively. Therefore, this variant is classified as a Variant of Uncertain Significance.

This study involves interpretation of variants in research participants for the purpose of population health screening. Participant phenotype was not available at the time of variant classification. Additional details can be found in publication PMID: 35346344, PMCID: PMC8962531

Ambry Genetics
Classification: Uncertain significance for Familial thoracic aortic aneurysm and aortic dissection. Last evaluated: 2017-02-14. Review status: criteria provided, single submitter. Criteria: Ambry Variant Classification Scheme 2023. Collection method: clinical testing. Allele origin: germline.
Comment: The p.P400S variant (also known as c.1198C>T), located in coding exon 18 of the COL3A1 gene, results from a C to T substitution at nucleotide position 1198. The proline at codon 400 is replaced by serine, an amino acid with similar properties. This amino acid position is not well conserved in available vertebrate species, and serine is the reference amino acid in other vertebrate species. In addition, the in silico prediction for this alteration is inconclusive. Since supporting evidence is limited at this time, the clinical significance of this alteration remains unclear.